The following is an entry in ClinVar:

NM_001040142.2(SCN2A):c.2242del (p.Lys747_Val748insTer)

Gene: SCN2A (sodium voltage-gated channel alpha subunit 2; plus strand). Cytogenetic location: 2q24.3.
Variant type: Deletion.
Coding change: c.2242del on transcript NM_001040142.2 (MANE Select); coding-DNA position 2242, one base deleted (G; older notation c.2242delG).
Protein change: p.Lys747_Val748insTer.
Molecular consequence: nonsense.
Genome position (GRCh38, 1-based): chr2:165,331,422, G deleted; the last of 2 consecutive G bases (chr2:165,331,421-165,331,422); deleting either gives the same sequence. VCF-style (leftmost placement, unchanged base first): chr2-165331420-AG-A. GRCh37 (hg19) VCF-style: chr2-166187930-AG-A.
Other names: c.2242del, p.Lys747_Val748insTer (NM_001040143.2, NM_001371246.1, NM_001371247.1 and 1 more transcripts).
Identifiers: ClinVar variation 2129226 (VCV002129226.4), dbSNP rs2467961829, ClinGen allele CA2580064208.
Genomic context (GRCh38, chr2:165,331,420, plus strand): 5'-CATGCTGGTATAAATTTGCTAATATGTGTTTGATTTGGGACTGTTGTAAACCATGGTTAA[AG>A]GTGAAACACCTTGTCAACCTGGTTGTAATGGACCCATTTGTTGACCTGGCCATCACCATC-3'

ClinVar aggregate classification (germline): Pathogenic (1 of 4 stars; one submission).

Conditions:
Seizures, benign familial infantile, 3 (BFIS3). Also called: Familial neonatal seizures; CONVULSIONS, BENIGN FAMILIAL INFANTILE, 3. Identifiers: Orphanet 140927, Orphanet 306, MedGen C1843140, MONDO:0011904, OMIM 607745.
Developmental and epileptic encephalopathy, 11 (DEE11). Also called: Early infantile epileptic encephalopathy 11. Identifiers: Orphanet 1934, MedGen C3150987, MONDO:0013388, OMIM 613721.

Submission:

Labcorp Genetics (formerly Invitae), Labcorp
Classification: Pathogenic for Seizures, benign familial infantile, 3; Developmental and epileptic encephalopathy, 11. Last evaluated: 2024-05-15. Review status: criteria provided, single submitter. Criteria: Invitae Variant Classification Sherloc (09022015). Collection method: clinical testing. Allele origin: germline.
Comment: This sequence change creates a premature translational stop signal (p.Val748*) in the SCN2A gene. It is expected to result in an absent or disrupted protein product. Loss-of-function variants in SCN2A are known to be pathogenic (PMID: 28379373). This variant is not present in population databases (gnomAD no frequency). This variant has not been reported in the literature in individuals affected with SCN2A-related conditions. ClinVar contains an entry for this variant (Variation ID: 2129226). For these reasons, this variant has been classified as Pathogenic.

Literature cited by the submitters: PubMed 28379373.